The following is an entry in ClinVar:

ClinVar aggregate classification (germline): Uncertain significance. Review status: criteria provided, multiple submitters, no conflicts (2 of 4 stars). 3 submissions from 3 submitters: Uncertain significance (3). Last evaluated 2025-12-02.

Conditions:
Inborn genetic diseases. Identifiers: MedGen C0950123, MeSH D030342.
Junctional epidermolysis bullosa with pyloric atresia. Also called: APLASIA CUTIS CONGENITA WITH GASTROINTESTINAL ATRESIA; CARMI SYNDROME; EB-PA-ACC; ITGB4-Related Epidermolysis Bullosa with Pyloric Atresia; ITGA6-Related Epidermolysis Bullosa with Pyloric Atresia; Epidermolysis bullosa, junctional, with pyloric atresia and aplasia cutis congenita. Identifiers: Orphanet 79403, MedGen C5676875, MONDO:0009183, OMIM 226730.
Epidermolysis bullosa, junctional 5A, intermediate. Also called: EPIDERMOLYSIS BULLOSA, JUNCTIONAL 5A, GENERALIZED INTERMEDIATE; EPIDERMOLYSIS BULLOSA, JUNCTIONAL 5A, NON-HERLITZ TYPE. Identifiers: MedGen C5676956, MONDO:0030768, OMIM 619816.

Allele frequency attached by ClinVar (database versions not stated): TOPMed 0.00001; ExAC 0.00002; gnomAD 0.00002.
gnomAD v4.1: 14 of 1,613,410 alleles (0.00087%); highest among the groups gnomAD compares: South Asian, 0.0044%; no homozygotes.

Submissions (3):

Labcorp Genetics (formerly Invitae), Labcorp
Classification: Uncertain significance. Last evaluated: 2025-12-02. Review status: criteria provided, single submitter. Criteria: Invitae Variant Classification Sherloc (09022015). Collection method: clinical testing. Allele origin: germline.
Comment: This sequence change replaces aspartic acid, which is acidic and polar, with asparagine, which is neutral and polar, at codon 1262 of the ITGB4 protein (p.Asp1262Asn). This variant is present in population databases (rs763660173, gnomAD 0.01%). This variant has not been reported in the literature in individuals affected with ITGB4-related conditions. ClinVar contains an entry for this variant (Variation ID: 2419195). Invitae Evidence Modeling of protein sequence and biophysical properties (such as structural, functional, and spatial information, amino acid conservation, physicochemical variation, residue mobility, and thermodynamic stability) indicates that this missense variant is not expected to disrupt ITGB4 protein function with a negative predictive value of 80%. In summary, the available evidence is currently insufficient to determine the role of this variant in disease. Therefore, it has been classified as a Variant of Uncertain Significance.

Ambry Genetics
Classification: Uncertain significance for Inborn genetic diseases. Last evaluated: 2025-04-08. Review status: criteria provided, single submitter. Criteria: Ambry Variant Classification Scheme 2023. Collection method: clinical testing. Allele origin: germline.

Fulgent Genetics
Classification: Uncertain significance for Junctional epidermolysis bullosa with pyloric atresia; Epidermolysis bullosa, junctional 5A, intermediate. Last evaluated: 2024-03-11. Review status: criteria provided, single submitter. Criteria: ACMG Guidelines, 2015. Collection method: clinical testing. Allele origin: germline.

NM_000213.5(ITGB4):c.3784G>A (p.Asp1262Asn)

Gene: ITGB4 (integrin subunit beta 4; plus strand). Cytogenetic location: 17q25.1.
Variant type: single nucleotide variant.
Coding change: c.3784G>A on transcript NM_000213.5 (MANE Select); coding-DNA position 3784, G replaced by A.
Protein change: p.Asp1262Asn; replaces aspartic acid 1262 with asparagine.
Molecular consequence: missense variant.
Genome position (GRCh38, 1-based): chr17:75,751,102, G>A. VCF-style: chr17-75751102-G-A. GRCh37 (hg19) VCF-style: chr17-73747183-G-A.
Other names: c.3784G>A (NM_001005731.1); c.3784G>A, p.Asp1262Asn (NM_001005619.2, NM_001005731.3, NM_001321123.2); short protein forms D1262N.
Identifiers: ClinVar variation 2419195 (VCV002419195.6), dbSNP rs763660173, ClinGen allele CA8769931.
Genomic context (GRCh38, chr17:75,751,102, plus strand): 5'-GAGCCGGCTGAGACCAACGGTGAGATCACAGCCTACGAGGTCTGCTATGGCCTGGTCAAC[G>A]ATGACAACCGTAAGAACCAGATCCTTCTTTCCTGCCCACAGGGAGAACAGCCATGGAAGG-3'
Protein context (NP_000204.3, residues 1252-1272): AYEVCYGLVN[Asp1262Asn]DNRPIGPMKK